The following is an entry in ClinVar:

NM_002578.5(PAK3):c.276+2679A>T

Gene: PAK3 (p21 (RAC1) activated kinase 3; plus strand). Cytogenetic location: Xq23.
Variant type: single nucleotide variant.
Coding change: c.276+2679A>T on transcript NM_002578.5 (MANE Select); 2679 bases into the intron after coding-DNA position 276, A replaced by T.
Molecular consequence: intron variant. On other transcripts: missense variant (2).
Genome position (GRCh38, 1-based): chrX:111,144,875, A>T. VCF-style: chrX-111144875-A-T. GRCh37 (hg19) VCF-style: chrX-110388103-A-T.
Other names: c.292A>T, p.Thr98Ser (NM_001128168.3, NM_001128172.2); c.276+2679A>T (NM_001128166.3, NM_001324325.2, NM_001324330.2 and 5 more transcripts); c.277-1646A>T (NM_001128173.3, NM_001324329.2, NM_001324327.2 and 2 more transcripts); short protein forms T98S.
Identifiers: ClinVar variation 546207 (VCV000546207.3), dbSNP rs1556041456, ClinGen allele CA414243648.
Genomic context (GRCh38, chrX:111,144,875, plus strand): 5'-AAGTCCTCATCCTTTATATTGCCATTTTTGTCCCAAATACTTCAGAACTCCCCTTTCCAG[A>T]CCTCTAGACCTGTGACGGTCGCTTCAAGTCAATCAGAGGGAAAAATGGTATGAGTGATAT-3'

ClinVar aggregate classification (germline): Uncertain significance (1 of 4 stars; one submission).

Allele frequency attached by ClinVar (database versions not stated): gnomAD exomes 0.00001.
gnomAD v4.1: 6 of 1,141,854 alleles (0.00053%); highest among the groups gnomAD compares: Non-Finnish European, 0.00071%; no homozygotes.

Submission:

GeneDx
Classification: Uncertain significance. Last evaluated: 2019-11-22. Review status: criteria provided, single submitter. Criteria: GeneDx Variant Classification Process June 2021. Collection method: clinical testing. Allele origin: germline. Affected: yes.
Comment: Not observed in large population cohorts (Lek et al., 2016); In silico analysis, which includes splice predictors and evolutionary conservation, supports that this variant does not alter protein structure/function; Has not been previously published as pathogenic or benign to our knowledge